The following is an entry in ClinVar:

ClinVar aggregate classification (germline): Conflicting classifications of pathogenicity. Review status: criteria provided, conflicting classifications (1 of 4 stars). 7 submissions from 7 submitters: Uncertain significance (1); Benign (1); Likely benign (5). Last evaluated 2026-01-26.

Conditions:
SOX11-related disorder. Also called: SOX11-related condition.
Inborn genetic diseases. Identifiers: MedGen C0950123, MeSH D030342.

Submissions (7):

Labcorp Genetics (formerly Invitae), Labcorp
Classification: Benign. Last evaluated: 2026-01-26. Review status: criteria provided, single submitter. Criteria: Invitae Variant Classification Sherloc (09022015). Collection method: clinical testing. Allele origin: germline.

CeGaT Center for Human Genetics Tuebingen
Classification: Likely benign. Last evaluated: 2025-07-01. Review status: criteria provided, single submitter. Criteria: CeGaT Center For Human Genetics Tuebingen Variant Classification Criteria Version 2. Collection method: clinical testing. Allele origin: germline. Affected: yes. Observed: 1 variant allele.
Comment: SOX11: BS2

PreventionGenetics, part of Exact Sciences
Classification: Likely benign for SOX11-related condition. Last evaluated: 2025-01-16. Review status: criteria provided, single submitter. Criteria: ACMG Guidelines, 2015. Collection method: clinical testing. Allele origin: germline.
Comment: This variant is classified as likely benign based on ACMG/AMP sequence variant interpretation guidelines (Richards et al. 2015 PMID: 25741868, with internal and published modifications).

Blueprint Genetics
Classification: Likely benign. Last evaluated: 2024-07-05. Review status: criteria provided, single submitter. Criteria: ACMG Guidelines, 2015. Collection method: clinical testing. Allele origin: germline.

Ambry Genetics
Classification: Likely benign for Inborn genetic diseases. Last evaluated: 2021-07-19. Review status: criteria provided, single submitter. Criteria: Ambry Variant Classification Scheme 2023. Collection method: clinical testing. Allele origin: germline.

GeneDx
Classification: Uncertain significance. Last evaluated: 2019-09-03. Review status: criteria provided, single submitter. Criteria: GeneDx Variant Classification Process June 2021. Collection method: clinical testing. Allele origin: germline. Affected: yes.
Comment: In-frame deletion of 4 amino acids in a non-repeat region; In silico analysis, which includes protein predictors and evolutionary conservation, supports a deleterious effect; Has not been previously published as pathogenic or benign to our knowledge

Genetic Services Laboratory, University of Chicago
Classification: Likely benign. Last evaluated: 2018-02-22. Review status: criteria provided, single submitter. Criteria: ACMG Guidelines, 2015. Collection method: clinical testing. Allele origin: germline. Affected: no.

NM_003108.4(SOX11):c.456_467del (p.Gly153_Gly156del)

Gene: SOX11 (SRY-box transcription factor 11; plus strand). Cytogenetic location: 2p25.2.
Variant type: Deletion.
Coding change: c.456_467del on transcript NM_003108.4 (MANE Select); coding-DNA positions 456 to 467, 12 bases deleted (AGGCGCGGGCGG).
Protein change: p.Gly153_Gly156del.
Molecular consequence: inframe deletion.
Genome position (GRCh38, 1-based): chr2:5,693,177-5,693,188, AGGCGCGGGCGG deleted; deleting any 12 consecutive bases within chr2:5,693,167-5,693,188 gives the same sequence; the c. name uses the placement nearest the transcript's 3' end. VCF-style (leftmost placement, unchanged base first): chr2-5693166-AGCGCGGGCGGAG-A. GRCh37 (hg19) VCF-style: chr2-5833298-AGCGCGGGCGGAG-A.
Other names: c.456_467delAGGCGCGGGCGG (NM_003108.3).
Identifiers: ClinVar variation 1194006 (VCV001194006.24), dbSNP rs774530705, ClinGen allele CA1517843.
Genomic context (GRCh38, chr2:5,693,166, plus strand): 5'-TCGGCCAAGCCCAGCGCCAGCCAGAGCCCAGAGAAGAGCGCGGCCGGCGGCGGCGGCGGG[AGCGCGGGCGGAG>A]GCGCGGGCGGTGCCAAGACCTCCAAGGGCTCCAGCAAGAAATGCGGCAAGCTCAAGGCCC-3'